The following is an entry in ClinVar:

NM_001204.7(BMPR2):c.419-38T>A

Gene: BMPR2 (bone morphogenetic protein receptor type 2; plus strand). Cytogenetic location: 2q33.2.
Variant type: single nucleotide variant.
Coding change: c.419-38T>A on transcript NM_001204.7 (MANE Select); 38 bases into the intron before coding-DNA position 419, T replaced by A.
Molecular consequence: intron variant.
Genome position (GRCh38, 1-based): chr2:202,513,681, T>A. VCF-style: chr2-202513681-T-A. GRCh37 (hg19) VCF-style: chr2-203378404-T-A.
Identifiers: ClinVar variation 1706682 (VCV001706682.2), dbSNP rs192379740, ClinGen allele CA2061116.

ClinVar aggregate classification (germline): Likely benign (1 of 4 stars; one submission).

Allele frequency attached by ClinVar (database versions not stated): ESP Exome Variant Server 0.00062; gnomAD exomes 0.00228; ExAC 0.00273; gnomAD 0.00538; TOPMed 0.00544; 1000 Genomes Project 0.00579.
gnomAD v4.1: 3,653 of 1,395,572 alleles (0.26%); highest among the groups gnomAD compares: African/African-American, 1.5%; 16 homozygotes.

Submission:

GeneDx
Classification: Likely benign. Last evaluated: 2018-10-05. Review status: criteria provided, single submitter. Criteria: GeneDx Variant Classification Process June 2021. Collection method: clinical testing. Allele origin: germline. Affected: yes.
Comment: See Variant Classification Assertion Criteria.